The following is an entry in ClinVar:

NM_022168.4(IFIH1):c.1731C>T (p.Pro577=)

Gene: IFIH1 (interferon induced with helicase C domain 1; minus strand). Cytogenetic location: 2q24.2.
Variant type: single nucleotide variant.
Coding change: c.1731C>T on transcript NM_022168.4 (MANE Select); coding-DNA position 1731, C replaced by T.
Protein change: p.Pro577=; no amino-acid change (proline 577 retained).
Molecular consequence: synonymous variant.
Genome position (GRCh38, 1-based): chr2:162,278,239, G>A on the plus strand (C>T on the coding strand, the complement: IFIH1 is on the minus strand). VCF-style: chr2-162278239-G-A. GRCh37 (hg19) VCF-style: chr2-163134749-G-A.
Identifiers: ClinVar variation 2947423 (VCV002947423.10), dbSNP rs745348970, ClinGen allele CA1934425.

ClinVar aggregate classification (germline): Likely benign. Review status: criteria provided, multiple submitters, no conflicts (2 of 4 stars). 2 submissions from 2 submitters: Likely benign (2). Last evaluated 2025-09-01.

Conditions:
Aicardi-Goutieres syndrome 7 (AGS7). Identifiers: Orphanet 51, MedGen C3888244, MONDO:0014367, OMIM 615846.
Singleton-Merten syndrome 1 (SGMRT1). Also called: Widened medullary cavities of bone, aortic calcification, abnormal dentition, and muscular weakness; Syndrome of widened medullary cavities of the metacarpals and phalanges, aortic calcification and abnormal dentition. Identifiers: Orphanet 85191, MedGen C4225427, MONDO:0024535, OMIM 182250.

Allele frequency attached by ClinVar (database versions not stated): gnomAD exomes below 0.00001; TOPMed below 0.00001; gnomAD 0.00001; ExAC 0.00002.
gnomAD v4.1: 3 of 1,605,374 alleles (0.00019%); highest among the groups gnomAD compares: Non-Finnish European, 0.00017%; no homozygotes.

Submissions (2):

CeGaT Center for Human Genetics Tuebingen
Classification: Likely benign. Last evaluated: 2025-09-01. Review status: criteria provided, single submitter. Criteria: CeGaT Center For Human Genetics Tuebingen Variant Classification Criteria Version 2. Collection method: clinical testing. Allele origin: germline. Affected: yes. Observed: 1 variant allele.
Comment: IFIH1: BP4, BP7

Labcorp Genetics (formerly Invitae), Labcorp
Classification: Likely benign for Aicardi-Goutieres syndrome 7; Singleton-Merten syndrome 1. Last evaluated: 2024-07-08. Review status: criteria provided, single submitter. Criteria: Invitae Variant Classification Sherloc (09022015). Collection method: clinical testing. Allele origin: germline.